The following is an entry in ClinVar:

ClinVar aggregate classification (germline): Benign/Likely benign. Review status: criteria provided, multiple submitters, no conflicts (2 of 4 stars). 4 submissions from 4 submitters: Benign (1); Likely benign (3). Last evaluated 2026-01-05.

Conditions:
Hereditary cancer-predisposing syndrome. Also called: Neoplastic Syndromes, Hereditary; Tumor predisposition; Hereditary neoplastic syndrome; Hereditary Cancer Syndrome. Identifiers: Orphanet 140162, MedGen C0027672, MeSH D009386, MONDO:0015356.
Peutz-Jeghers syndrome (PJS). Also called: POLYPOSIS, HAMARTOMATOUS INTESTINAL; POLYPS-AND-SPOTS SYNDROME; Peutz-Jeghers polyposis; Periorificial lentiginosis syndrome. Identifiers: Orphanet 2869, MedGen C0031269, MeSH D010580, MONDO:0008280, OMIM 175200.

Allele frequency attached by ClinVar (database versions not stated): gnomAD exomes below 0.00001.
gnomAD v4.1: 4 of 1,611,914 alleles (0.00025%); highest among the groups gnomAD compares: Non-Finnish European, 0.00034%; no homozygotes.

Submissions (4):

Labcorp Genetics (formerly Invitae), Labcorp
Classification: Likely benign for Peutz-Jeghers syndrome. Last evaluated: 2026-01-05. Review status: criteria provided, single submitter. Criteria: Invitae Variant Classification Sherloc (09022015). Collection method: clinical testing. Allele origin: germline.

Myriad Genetics, Inc.
Classification: Benign for Peutz-Jeghers syndrome. Last evaluated: 2025-03-28. Review status: criteria provided, single submitter. Criteria: Myriad Autosomal Dominant, Autosomal Recessive and X-Linked Classification Criteria (2023). Collection method: clinical testing. Allele origin: unknown.
Comment: This variant is considered benign. This variant is a silent/synonymous amino acid change and it is not expected to impact splicing.

Color Diagnostics, LLC DBA Color Health
Classification: Likely benign for Hereditary cancer-predisposing syndrome. Last evaluated: 2022-05-23. Review status: criteria provided, single submitter. Criteria: ACMG Guidelines, 2015. Collection method: clinical testing. Allele origin: germline.

Ambry Genetics
Classification: Likely benign for Hereditary cancer-predisposing syndrome. Last evaluated: 2022-04-23. Review status: criteria provided, single submitter. Criteria: Ambry Variant Classification Scheme 2023. Collection method: clinical testing. Allele origin: germline.

NM_000455.5(STK11):c.1077C>T (p.Asp359=)

Genes: STK11 (serine/threonine kinase 11; plus strand), LOC130062899 (ATAC-STARR-seq lymphoblastoid active region 13597; plus strand). Cytogenetic location: 19p13.3.
Variant type: single nucleotide variant.
Coding change: c.1077C>T on transcript NM_000455.5 (MANE Select); coding-DNA position 1077, C replaced by T.
Protein change: p.Asp359=; no amino-acid change (aspartic acid 359 retained).
Molecular consequence: synonymous variant.
Genome position (GRCh38, 1-based): chr19:1,223,141, C>T. VCF-style: chr19-1223141-C-T. GRCh37 (hg19) VCF-style: chr19-1223140-C-T.
Identifiers: ClinVar variation 527846 (VCV000527846.16), dbSNP rs1321578734, ClinGen allele CA504707793.